The following is an entry in ClinVar:

ClinVar aggregate classification (germline): Benign. Review status: criteria provided, multiple submitters, no conflicts (2 of 4 stars). 3 submissions from 2 submitters: Benign (3). Last evaluated 2018-01-12.

Conditions:
Histiocytic medullary reticulosis. Also called: SEVERE COMBINED IMMUNODEFICIENCY WITH HYPEREOSINOPHILIA; Omenn syndrome. Identifiers: Orphanet 39041, MedGen C2700553, MONDO:0011338, OMIM 603554.
Severe combined immunodeficiency, autosomal recessive, T cell-negative, B cell-negative, NK cell-positive. Also called: SCID, T CELL-NEGATIVE, B CELL-NEGATIVE, NK CELL-POSITIVE; SCID, AR, T-cell negative, B-cell negative, NK cell-positive; Severe combined immunodeficiency due to complete RAG1/2 deficiency. Identifiers: Orphanet 331206, MedGen C1832322, MONDO:0011086, OMIM 601457.

Allele frequency attached by ClinVar (database versions not stated): 1000 Genomes Project 30x 0.06152; gnomAD exomes 0.06163; 1000 Genomes Project 0.06250; TOPMed 0.07545.
gnomAD v4.1: 12,361 of 167,062 alleles (7.4%); highest among the groups gnomAD compares: Middle Eastern, 8.1%; 505 homozygotes.

Submissions (3):

Illumina Laboratory Services, Illumina
Classification: Benign for Severe combined immunodeficiency, autosomal recessive, T cell-negative, B cell-negative, NK cell-positive. Last evaluated: 2018-01-12. Review status: criteria provided, single submitter. Criteria: ICSL Variant Classification Criteria 13 December 2019. Collection method: clinical testing. Allele origin: germline.
Comment: This variant was observed in the ICSL laboratory as part of a predisposition screen in an ostensibly healthy population. It had not been previously curated by ICSL or reported in the Human Gene Mutation Database (HGMD: prior to June 1st, 2018), and was therefore a candidate for classification through an automated scoring system. Utilizing variant allele frequency, disease prevalence and penetrance estimates, and inheritance mode, an automated score was calculated to assess if this variant is too frequent to cause the disease. Based on the score and internal cut-off values, a variant classified as benign is not then subjected to further curation. The score for this variant resulted in a classification of benign for this disease.

Illumina Laboratory Services, Illumina
Classification: Benign for Histiocytic medullary reticulosis. Last evaluated: 2018-01-12. Review status: criteria provided, single submitter. Criteria: ICSL Variant Classification Criteria 13 December 2019. Collection method: clinical testing. Allele origin: germline.
Comment: the same text as in the submission from Illumina Laboratory Services, Illumina above.

Breakthrough Genomics
Classification: Benign. Review status: criteria provided, single submitter. Criteria: ACMG Guidelines, 2015. Collection method: not provided. Allele origin: germline. Inheritance: Autosomal recessive inheritance. Affected: yes.

NM_000448.3(RAG1):c.*1083C>T

Gene: RAG1 (recombination activating 1; plus strand). Cytogenetic location: 11p12.
Variant type: single nucleotide variant.
Coding change: c.*1083C>T on transcript NM_000448.3 (MANE Select); 1083 bases downstream of the stop codon, C replaced by T.
Molecular consequence: 3 prime UTR variant.
Genome position (GRCh38, 1-based): chr11:36,577,519, C>T. VCF-style: chr11-36577519-C-T. GRCh37 (hg19) VCF-style: chr11-36599069-C-T.
Other names: c.*1083C>T (NM_001377277.1, NM_001377278.1, NM_001377279.1 and 1 more transcripts).
Identifiers: ClinVar variation 304520 (VCV000304520.6), dbSNP rs4151040, ClinGen allele CA10630828.
Genomic context (GRCh38, chr11:36,577,519, plus strand): 5'-TTATTCTTTCTATAATGATCAGTTTACTTTCAGTGGATTCAGAATTGTGTAGCAGGATAA[C>T]CTTGTATTTTTCCATCCGCTAAGTTTAGATGGAGTCCAAACGCAGTACAGCAGAAGAGTT-3'